The following is an entry in ClinVar:

NM_004329.3(BMPR1A):c.-268+225C>T

Gene: BMPR1A (bone morphogenetic protein receptor type 1A; plus strand). Cytogenetic location: 10q23.2.
Variant type: single nucleotide variant.
Coding change: c.-268+225C>T on transcript NM_004329.3 (MANE Select); 225 bases into the intron after 268 bases upstream of the start codon, C replaced by T.
Molecular consequence: intron variant.
Genome position (GRCh38, 1-based): chr10:86,757,144, C>T. VCF-style: chr10-86757144-C-T. GRCh37 (hg19) VCF-style: chr10-88516901-C-T.
Identifiers: ClinVar variation 679772 (VCV000679772.1), dbSNP rs79181991, ClinGen allele CA211182050.

ClinVar aggregate classification (germline): Likely benign (1 of 4 stars; one submission).

Allele frequency attached by ClinVar (database versions not stated): 1000 Genomes Project 0.00339; 1000 Genomes Project 30x 0.00406; gnomAD 0.00412 and 0.00448; TOPMed 0.00451.
gnomAD v4.1: 623 of 152,136 alleles (0.41%); highest among the groups gnomAD compares: African/African-American, 1.4%; 3 homozygotes.

Submission:

GeneDx
Classification: Likely benign. Last evaluated: 2018-06-18. Review status: criteria provided, single submitter. Criteria: GeneDx Variant Classification (06012015). Collection method: clinical testing. Allele origin: germline. Affected: yes.
Comment: This variant is considered likely benign or benign based on one or more of the following criteria: it is a conservative change, it occurs at a poorly conserved position in the protein, it is predicted to be benign by multiple in silico algorithms, and/or has population frequency not consistent with disease.